The following is an entry in ClinVar:

ClinVar aggregate classification (germline): Benign/Likely benign. Review status: criteria provided, multiple submitters, no conflicts (2 of 4 stars). 3 submissions from 3 submitters: Benign (1); Likely benign (2). Last evaluated 2026-06-18.

Conditions:
Polyps, multiple and recurrent inflammatory fibroid, gastrointestinal. Identifiers: MedGen C5193005, MONDO:0008285, OMIM 175510.
Gastrointestinal stromal tumor. Also called: Gastrointestinal stroma tumor; Gastrointestinal stromal tumor, somatic. Identifiers: Orphanet 44890, MedGen C0238198, MeSH D046152, MONDO:0011719, OMIM 606764, HP:0100723.
Hereditary cancer-predisposing syndrome. Also called: Tumor predisposition; Hereditary neoplastic syndrome; Neoplastic Syndromes, Hereditary; Hereditary Cancer Syndrome. Identifiers: Orphanet 140162, MedGen C0027672, MeSH D009386, MONDO:0015356.

Allele frequency attached by ClinVar (database versions not stated): gnomAD exomes below 0.00001 and 0.00001; ExAC 0.00001.
gnomAD v4.1: 10 of 1,614,042 alleles (0.00062%); highest among the groups gnomAD compares: Non-Finnish European, 0.00085%; no homozygotes.

Submissions (3):

Myriad Genetics, Inc.
Classification: Benign for Polyps, multiple and recurrent inflammatory fibroid, gastrointestinal. Last evaluated: 2026-06-18. Review status: criteria provided, single submitter. Criteria: Myriad Autosomal Dominant, Autosomal Recessive and X-Linked Classification Criteria (2023). Collection method: clinical testing. Allele origin: unknown.
Comment: This variant is considered benign. This variant is a silent/synonymous amino acid change and it is not expected to impact splicing.

Labcorp Genetics (formerly Invitae), Labcorp
Classification: Likely benign for Gastrointestinal stromal tumor. Last evaluated: 2025-09-17. Review status: criteria provided, single submitter. Criteria: Invitae Variant Classification Sherloc (09022015). Collection method: clinical testing. Allele origin: germline.

Ambry Genetics
Classification: Likely benign for Hereditary cancer-predisposing syndrome. Last evaluated: 2023-03-18. Review status: criteria provided, single submitter. Criteria: Ambry Variant Classification Scheme 2023. Collection method: clinical testing. Allele origin: germline.

NM_006206.6(PDGFRA):c.3246C>T (p.Asp1082=)

Gene: PDGFRA (platelet derived growth factor receptor alpha; plus strand). Cytogenetic location: 4q12.
Variant type: single nucleotide variant.
Coding change: c.3246C>T on transcript NM_006206.6 (MANE Select); coding-DNA position 3246, C replaced by T.
Protein change: p.Asp1082=; no amino-acid change (aspartic acid 1082 retained).
Molecular consequence: synonymous variant.
Genome position (GRCh38, 1-based): chr4:54,295,248, C>T. VCF-style: chr4-54295248-C-T. GRCh37 (hg19) VCF-style: chr4-55161415-C-T.
Other names: c.3321C>T, p.Asp1107= (NM_001347828.2); c.3246C>T, p.Asp1082= (NM_001347829.2); c.3285C>T, p.Asp1095= (NM_001347830.2).
Identifiers: ClinVar variation 459092 (VCV000459092.14), dbSNP rs756955630, ClinGen allele CA2923073.